The following is an entry in ClinVar:

NM_000054.7(AVPR2):c.715G>C (p.Gly239Arg)

Gene: AVPR2 (arginine vasopressin receptor 2; plus strand). Cytogenetic location: Xq28.
Variant type: single nucleotide variant.
Coding change: c.715G>C on transcript NM_000054.7 (MANE Select); coding-DNA position 715, G replaced by C.
Protein change: p.Gly239Arg; replaces glycine 239 with arginine.
Molecular consequence: missense variant. On other transcripts: non-coding transcript variant (1).
Genome position (GRCh38, 1-based): chrX:153,906,221, G>C. VCF-style: chrX-153906221-G-C. GRCh37 (hg19) VCF-style: chrX-153171675-G-C.
Other names: c.715G>C, p.Gly239Arg (NM_001146151.3); short protein forms G239R.
Identifiers: ClinVar variation 4083161 (VCV004083161.1).

ClinVar aggregate classification (germline): Uncertain significance (1 of 4 stars; one submission).

Submission:

GeneDx
Classification: Uncertain significance. Last evaluated: 2025-03-11. Review status: criteria provided, single submitter. Criteria: GeneDx Variant Classification Process June 2021. Collection method: clinical testing. Allele origin: germline. Affected: yes.
Comment: Not observed at significant frequency in large population cohorts (gnomAD); In silico analysis indicates that this missense variant does not alter protein structure/function; Has not been previously published as pathogenic or benign to our knowledge